The following is an entry in ClinVar:

ClinVar aggregate classification (germline): Uncertain significance (1 of 4 stars; one submission).

gnomAD v4.1: 1 of 1,609,330 alleles (0.000062%); highest among the groups gnomAD compares: Middle Eastern, 0.017%; no homozygotes.

Submission:

Ambry Genetics
Classification: Uncertain significance. Last evaluated: 2026-03-11. Review status: criteria provided, single submitter. Criteria: Ambry Variant Classification Scheme 2023. Collection method: clinical testing. Allele origin: germline.
Comment: The p.S83R variant (also known as c.247A>C), located in coding exon 1 of the MYOM1 gene, results from an A to C substitution at nucleotide position 247. The serine at codon 83 is replaced by arginine, an amino acid with dissimilar properties. This amino acid position is conserved. In addition, this alteration is predicted to be tolerated by in silico analysis. Based on the available evidence, the clinical significance of this variant remains unclear.

NM_003803.4(MYOM1):c.247A>C (p.Ser83Arg)

Gene: MYOM1 (myomesin 1; minus strand). Cytogenetic location: 18p11.31.
Variant type: single nucleotide variant.
Coding change: c.247A>C on transcript NM_003803.4 (MANE Select); coding-DNA position 247, A replaced by C.
Protein change: p.Ser83Arg; replaces serine 83 with arginine.
Molecular consequence: missense variant.
Genome position (GRCh38, 1-based): chr18:3,214,977, T>G on the plus strand (A>C on the coding strand, the complement: MYOM1 is on the minus strand). VCF-style: chr18-3214977-T-G. GRCh37 (hg19) VCF-style: chr18-3214975-T-G.
Other names: c.247A>C, p.Ser83Arg (NM_019856.2); short protein forms S83R.
Identifiers: ClinVar variation 4825769 (VCV004825769.1).
Genomic context (GRCh38, chr18:3,214,977, plus strand): 5'-GAGGGCGTCCGACATACCCATGGGAGGAGCCATAATCGTAGGCTGAGGCTGCCTTCCGAC[T>G]GACTTCAGAGCTCAGGGCGTGCTGCGAGGCCTGCTGCTGGGAGGAGGAGGCGGACGCCCG-3'
Protein context (NP_003794.3, residues 73-93): ASQHALSSEV[Ser83Arg]RKAASAYDYG